The following is an entry in ClinVar:

ClinVar aggregate classification (germline): Uncertain significance (1 of 4 stars; one submission).

Conditions:
Charcot-Marie-Tooth disease dominant intermediate F. Identifiers: Orphanet 352670, MedGen C4749463, MONDO:0014074, OMIM 615185.

Submission:

Victorian Clinical Genetics Services, Murdoch Childrens Research Institute
Classification: Uncertain significance for Charcot-Marie-Tooth disease dominant intermediate F. Last evaluated: 2020-05-21. Review status: criteria provided, single submitter. Criteria: ACMG Guidelines, 2015. Collection method: clinical testing. Allele origin: germline. Inheritance: Autosomal dominant inheritance. Affected: yes.
Comment: A heterozygous missense variant was identified, NM_021629.3(GNB4):c.834C>A in exon 9 of 10 of the GNB4 gene. This substitution is predicted to create a minor amino acid change from a phenylalanine to a leucine at position 278 of the protein; NP_067642.1(GNB4):p.(Phe278Leu). The phenylalanine at this position has very high conservation (100 vertebrates, UCSC), and is located within the WD40 domain (NCBI, Decipher, PDB). In silico software predicts this variant to be damaging (PolyPhen2, PROVEAN, MutationAssessor). The variant is not present in the gnomAD population database. This variant has not previously been reported in clinical cases. Based on information available at the time of curation, this variant has been classified as a VUS.

NM_021629.4(GNB4):c.834C>A (p.Phe278Leu)

Gene: GNB4 (G protein subunit beta 4; minus strand). Cytogenetic location: 3q26.33.
Variant type: single nucleotide variant.
Coding change: c.834C>A on transcript NM_021629.4 (MANE Select); coding-DNA position 834, C replaced by A.
Protein change: p.Phe278Leu; replaces phenylalanine 278 with leucine.
Molecular consequence: missense variant.
Genome position (GRCh38, 1-based): chr3:179,405,272, G>T on the plus strand (C>A on the coding strand, the complement: GNB4 is on the minus strand). VCF-style: chr3-179405272-G-T. GRCh37 (hg19) VCF-style: chr3-179123060-G-T.
Other names: short protein forms F278L.
Identifiers: ClinVar variation 1805806 (VCV001805806.1), dbSNP rs540700486, ClinGen allele CA355468928.